The following is an entry in ClinVar:

NM_001184.4(ATR):c.3026C>A (p.Ala1009Glu)

Gene: ATR (ATR checkpoint kinase; minus strand). Cytogenetic location: 3q23.
Variant type: single nucleotide variant.
Coding change: c.3026C>A on transcript NM_001184.4 (MANE Select); coding-DNA position 3026, C replaced by A.
Protein change: p.Ala1009Glu; replaces alanine 1009 with glutamic acid.
Molecular consequence: missense variant.
Genome position (GRCh38, 1-based): chr3:142,549,624, G>T on the plus strand (C>A on the coding strand, the complement: ATR is on the minus strand). VCF-style: chr3-142549624-G-T. GRCh37 (hg19) VCF-style: chr3-142268466-G-T.
Other names: c.2834C>A, p.Ala945Glu (NM_001354579.2); short protein forms A1009E, A945E.
Identifiers: ClinVar variation 1798963 (VCV001798963.2), dbSNP rs2108455020, ClinGen allele CA354812502.

ClinVar aggregate classification (germline): Uncertain significance (1 of 4 stars; one submission).

Conditions:
Inborn genetic diseases. Identifiers: MedGen C0950123, MeSH D030342.

Submission:

Ambry Genetics
Classification: Uncertain significance for Inborn genetic diseases. Last evaluated: 2022-06-07. Review status: criteria provided, single submitter. Criteria: Ambry Variant Classification Scheme 2023. Collection method: clinical testing. Allele origin: germline.
Comment: The p.A1009E variant (also known as c.3026C>A), located in coding exon 15 of the ATR gene, results from a C to A substitution at nucleotide position 3026. The alanine at codon 1009 is replaced by glutamic acid, an amino acid with dissimilar properties. This amino acid position is conserved. In addition, the in silico prediction for this alteration is inconclusive. Since supporting evidence is limited at this time, the clinical significance of this alteration remains unclear.